The following is an entry in ClinVar:

ClinVar aggregate classification (germline): Uncertain significance (1 of 4 stars; one submission).

Submission:

Labcorp Genetics (formerly Invitae), Labcorp
Classification: Uncertain significance. Last evaluated: 2023-01-12. Review status: criteria provided, single submitter. Criteria: Invitae Variant Classification Sherloc (09022015). Collection method: clinical testing. Allele origin: germline.
Comment: This sequence change replaces arginine, which is basic and polar, with leucine, which is neutral and non-polar, at codon 59 of the CACNA1E protein (p.Arg59Leu). This variant is not present in population databases (gnomAD no frequency). This variant has not been reported in the literature in individuals affected with CACNA1E-related conditions. Advanced modeling of protein sequence and biophysical properties (such as structural, functional, and spatial information, amino acid conservation, physicochemical variation, residue mobility, and thermodynamic stability) has been performed at Invitae for this missense variant, however the output from this modeling did not meet the statistical confidence thresholds required to predict the impact of this variant on CACNA1E protein function. In summary, the available evidence is currently insufficient to determine the role of this variant in disease. Therefore, it has been classified as a Variant of Uncertain Significance.

NM_001205293.3(CACNA1E):c.176G>T (p.Arg59Leu)

Gene: CACNA1E (calcium voltage-gated channel subunit alpha1 E; plus strand). Cytogenetic location: 1q25.3.
Variant type: single nucleotide variant.
Coding change: c.176G>T on transcript NM_001205293.3 (MANE Select); coding-DNA position 176, G replaced by T.
Protein change: p.Arg59Leu; replaces arginine 59 with leucine.
Molecular consequence: missense variant.
Genome position (GRCh38, 1-based): chr1:181,483,920, G>T. VCF-style: chr1-181483920-G-T. GRCh37 (hg19) VCF-style: chr1-181453056-G-T.
Other names: c.176G>T, p.Arg59Leu (NM_000721.4, NM_001205294.2); short protein forms R59L.
Identifiers: ClinVar variation 2827842 (VCV002827842.3), dbSNP rs535592986, ClinGen allele CA343844503.
Genomic context (GRCh38, chr1:181,483,920, plus strand): 5'-ACAAGCAGACGAAAGCACAGAGGGCGCGGACTATGGCTTTGTACAACCCCATTCCCGTCC[G>T]GCAGAACTGTTTCACCGTCAACAGATCCCTGTTCATCTTCGGAGAAGATAACATTGTCAG-3'
Protein context (NP_001192222.1, residues 49-69): TMALYNPIPV[Arg59Leu]QNCFTVNRSL